The following is an entry in ClinVar:

ClinVar aggregate classification (germline): Benign/Likely benign. Review status: criteria provided, multiple submitters, no conflicts (2 of 4 stars). 3 submissions from 3 submitters: Benign (1); Likely benign (1). 1 of the submissions does not count toward it. Last evaluated 2025-11-10.

Conditions:
NSD2-related disorder. Also called: NSD2-related condition; NSD2 related disorders.

Allele frequency attached by ClinVar (database versions not stated): ExAC 0.00077; 1000 Genomes Project 0.00140; 1000 Genomes Project 30x 0.00141; gnomAD 0.00248 and 0.00272; ESP Exome Variant Server 0.00284; TOPMed 0.00294; gnomAD exomes 0.00026 and 0.00064.
gnomAD v4.1: 763 of 1,614,132 alleles (0.047%); highest among the groups gnomAD compares: African/African-American, 0.82%; 1 homozygote.

Submissions (3):

Labcorp Genetics (formerly Invitae), Labcorp
Classification: Benign. Last evaluated: 2025-11-10. Review status: criteria provided, single submitter. Criteria: Invitae Variant Classification Sherloc (09022015). Collection method: clinical testing. Allele origin: germline.

Blueprint Genetics
Classification: Likely benign. Last evaluated: 2024-10-31. Review status: criteria provided, single submitter. Criteria: ACMG Guidelines, 2015. Collection method: clinical testing. Allele origin: germline.

PreventionGenetics, part of Exact Sciences
Classification: Benign for NSD2-related condition. Last evaluated: 2019-08-28. Review status: no assertion criteria provided. Collection method: clinical testing. Allele origin: germline. Not counted in ClinVar's aggregate classification.
Comment: This variant is classified as benign based on ACMG/AMP sequence variant interpretation guidelines (Richards et al. 2015 PMID: 25741868, with internal and published modifications).

NM_001042424.3(NSD2):c.3474C>T (p.Asp1158=)

Gene: NSD2 (nuclear receptor binding SET domain protein 2; plus strand). Cytogenetic location: 4p16.3.
Variant type: single nucleotide variant.
Coding change: c.3474C>T on transcript NM_001042424.3 (MANE Select); coding-DNA position 3474, C replaced by T.
Protein change: p.Asp1158=; no amino-acid change (aspartic acid 1158 retained).
Molecular consequence: synonymous variant.
Genome position (GRCh38, 1-based): chr4:1,974,964, C>T. VCF-style: chr4-1974964-C-T. GRCh37 (hg19) VCF-style: chr4-1976691-C-T.
Other names: c.3474C>T (NM_001042424.2); c.3474C>T, p.Asp1158= (NM_133330.3, NM_133331.3, NM_133335.4).
Identifiers: ClinVar variation 348444 (VCV000348444.15), dbSNP rs138946638, ClinGen allele CA2812777.